The following is an entry in ClinVar:

ClinVar aggregate classification (germline): Pathogenic/Likely pathogenic. Review status: criteria provided, multiple submitters, no conflicts (2 of 4 stars). 3 submissions from 3 submitters: Pathogenic (2); Likely pathogenic (1). Last evaluated 2025-09-27.

Conditions:
Stüve-Wiedemann syndrome 1. Also called: STUVE-WIEDEMANN/SCHWARTZ-JAMPEL TYPE 2 SYNDROME. Identifiers: Orphanet 3206, MedGen C5676888, MONDO:0800043, OMIM 601559.
Stuve-Wiedemann syndrome (STWS). Also called: Stüve-Wiedemann syndrome. Identifiers: Orphanet 3206, MedGen C0796176, MONDO:0031280.

Allele frequency attached by ClinVar (database versions not stated): gnomAD 0.00001; gnomAD exomes 0.00001; TOPMed 0.00001.
gnomAD v4.1: 13 of 1,606,818 alleles (0.00081%); highest among the groups gnomAD compares: East Asian, 0.0022%; no homozygotes.

Submissions (3):

Labcorp Genetics (formerly Invitae), Labcorp
Classification: Pathogenic. Last evaluated: 2025-09-27. Review status: criteria provided, single submitter. Criteria: Invitae Variant Classification Sherloc (09022015). Collection method: clinical testing. Allele origin: germline.
Comment: This sequence change creates a premature translational stop signal (p.Arg418*) in the LIFR gene. It is expected to result in an absent or disrupted protein product. Loss-of-function variants in LIFR are known to be pathogenic (PMID: 14740318). This variant is present in population databases (rs765622323, gnomAD 0.006%). This premature translational stop signal has been observed in individuals with clinical features of Stuve-Wiedemann syndrome (PMID: 20447141, 30614825). ClinVar contains an entry for this variant (Variation ID: 1071419). For these reasons, this variant has been classified as Pathogenic.

Natera, Inc.
Classification: Pathogenic for Stuve-Wiedemann syndrome. Last evaluated: 2025-08-29. Review status: criteria provided, single submitter. Criteria: Natera Variant Classification Schema (03/2026). Collection method: clinical testing. Allele origin: germline.
Comment: The c.1252C>T variant in LIFR is a nonsense variant predicted to introduce a stop codon at amino acid 418. This variant is expected to result in nonsense mediated decay, truncation, or a dysfunctional protein product. This variant is rare in the general population with a frequency below the threshold expected for the associated phenotype(s). This variant has been observed in one or more individuals affected with the associated recessive disease, as either homozygous or compound heterozygous with a second variant (PMID: 20447141, 30614825). Given the available evidence, this variant is classified as Pathogenic.

Department of Pathology and Laboratory Medicine, Sinai Health System
Classification: Likely pathogenic for Stüve-Wiedemann syndrome 1. Last evaluated: 2021-09-23. Review status: criteria provided, single submitter. Criteria: ACMG Guidelines, 2015. Collection method: research. Allele origin: germline.

Literature cited by the submitters: PubMed 14740318 (cited by Labcorp Genetics (formerly Invitae), Labcorp); PubMed 20447141 (cited by Labcorp Genetics (formerly Invitae), Labcorp and Natera, Inc.); PubMed 30614825 (cited by Labcorp Genetics (formerly Invitae), Labcorp and Natera, Inc.).

NM_001127671.2(LIFR):c.1252C>T (p.Arg418Ter)

Gene: LIFR (LIF receptor subunit alpha; minus strand). Cytogenetic location: 5p13.1.
Variant type: single nucleotide variant.
Coding change: c.1252C>T on transcript NM_001127671.2 (MANE Select); coding-DNA position 1252, C replaced by T.
Protein change: p.Arg418Ter; replaces arginine 418 with a stop codon.
Molecular consequence: nonsense.
Genome position (GRCh38, 1-based): chr5:38,505,944, G>A on the plus strand (C>T on the coding strand, the complement: LIFR is on the minus strand). VCF-style: chr5-38505944-G-A. GRCh37 (hg19) VCF-style: chr5-38506046-G-A.
Other names: c.1252C>T, p.Arg418Ter (NM_001364297.2, NM_001364298.2, NM_002310.6); c.1252C>T (NM_002310.5); short protein forms R418*.
Identifiers: ClinVar variation 1071419 (VCV001071419.12), dbSNP rs765622323, ClinGen allele CA3243002.